The following is an entry in ClinVar:

NM_020975.6(RET):c.2988G>A (p.Pro996=)

Gene: RET (ret proto-oncogene; plus strand). Cytogenetic location: 10q11.21.
Variant type: single nucleotide variant.
Coding change: c.2988G>A on transcript NM_020975.6 (MANE Select); coding-DNA position 2988, G replaced by A.
Protein change: p.Pro996=; no amino-acid change (proline 996 retained).
Molecular consequence: synonymous variant.
Genome position (GRCh38, 1-based): chr10:43,124,931, G>A. VCF-style: chr10-43124931-G-A. GRCh37 (hg19) VCF-style: chr10-43620379-G-A.
Other names: c.2988G>A, p.Pro996= (NM_000323.2, NM_001406743.1, NM_001406744.1 and 4 more transcripts); c.2226G>A, p.Pro742= (NM_001355216.2); c.2859G>A, p.Pro953= (NM_001406761.1, NM_001406762.1, NM_001406764.1); c.2853G>A, p.Pro951= (NM_001406763.1, NM_001406765.1); c.2700G>A, p.Pro900= (NM_001406766.1, NM_001406767.1, NM_001406770.1); c.2724G>A, p.Pro908= (NM_001406768.1); c.2592G>A, p.Pro864= (NM_001406769.1, NM_001406772.1); c.2550G>A, p.Pro850= (NM_001406771.1, NM_001406773.1); and 10 more.
Identifiers: ClinVar variation 215914 (VCV000215914.54), dbSNP rs145798106, ClinGen allele CA041871.

ClinVar aggregate classification (germline): Conflicting classifications of pathogenicity. Review status: criteria provided, conflicting classifications (1 of 4 stars). 15 submissions from 12 submitters: Uncertain significance (2); Benign (2); Likely benign (9). 2 of the submissions do not count toward it. Last evaluated 2026-01-19.

Conditions:
Pheochromocytoma. Also called: MAX-Related Hereditary Paraganglioma-Pheochromocytoma Syndrome. Identifiers: Orphanet 29072, MedGen C0031511, MONDO:0008233, OMIM 171300, HP:0002666.
Hirschsprung disease, susceptibility to, 1 (HSCR1). Also called: RET-Related Hirschsprung Disease. Identifiers: Orphanet 388, MedGen C3888239, MONDO:0007723, OMIM 142623.
Familial medullary thyroid carcinoma (MTC). Also called: Thyroid cancer, familial medullary; MTC, familial; Familial Medullary Thyroid Carcinoma (FMTC). Identifiers: Orphanet 653, Orphanet 99361, MedGen C1833921, MONDO:0007958, OMIM 155240.
Multiple endocrine neoplasia type 2B. Also called: WAGENMANN-FROBOESE SYNDROME; MULTIPLE ENDOCRINE NEOPLASIA, TYPE III; MEN 2B; MUCOSAL NEUROMA SYNDROME; MULTIPLE ENDOCRINE NEOPLASIA, TYPE IIB; MEN IIB. Identifiers: Orphanet 247709, Orphanet 653, MedGen C0025269, MeSH D018814, MONDO:0008082, OMIM 162300.
Multiple endocrine neoplasia type 2A. Also called: MULTIPLE ENDOCRINE NEOPLASIA, TYPE IIA; PTC SYNDROME; SIPPLE SYNDROME; MEN 2A; MEN-2A syndrome; Pheochromocytoma and amyloid producing medullary thyroid carcinoma. Identifiers: Orphanet 247698, Orphanet 653, MedGen C0025268, MeSH D018813, MONDO:0008234, OMIM 171400.
Appendicitis. Identifiers: MedGen C0003615, MeSH D001064, MONDO:0005649, HP:6000143.
Multiple endocrine neoplasia. Identifiers: Orphanet 276161, MedGen C0027662, MONDO:0017169.
Hereditary cancer-predisposing syndrome. Also called: Tumor predisposition; Hereditary neoplastic syndrome; Neoplastic Syndromes, Hereditary; Hereditary Cancer Syndrome. Identifiers: Orphanet 140162, MedGen C0027672, MeSH D009386, MONDO:0015356.
Multiple endocrine neoplasia, type 2 (MEN2). Identifiers: Orphanet 653, MedGen C4048306, MONDO:0019003. Disease mechanism: gain of function.
Renal hypodysplasia/aplasia 1 (RHDA1). Also called: HEREDITARY RENAL APLASIA; RENAL APLASIA. Identifiers: Orphanet 411709, MedGen C1619700, MONDO:0024519, OMIM 191830.

Allele frequency attached by ClinVar (database versions not stated): gnomAD exomes 0.00013 and 0.00010; gnomAD 0.00014 and 0.00013; ExAC 0.00015; ESP Exome Variant Server 0.00031; TOPMed 0.00012.
gnomAD v4.1: 172 of 1,614,092 alleles (0.011%); highest among the groups gnomAD compares: South Asian, 0.041%; 1 homozygote.

Submissions (15):

Labcorp Genetics (formerly Invitae), Labcorp
Classification: Likely benign for Multiple endocrine neoplasia, type 2. Last evaluated: 2026-01-19. Review status: criteria provided, single submitter. Criteria: Invitae Variant Classification Sherloc (09022015). Collection method: clinical testing. Allele origin: germline.

Ambry Genetics
Classification: Likely benign for Hereditary cancer-predisposing syndrome. Last evaluated: 2024-12-08. Review status: criteria provided, single submitter. Criteria: Ambry Variant Classification Scheme 2023. Collection method: clinical testing. Allele origin: germline.

Blueprint Genetics
Classification: Likely benign. Last evaluated: 2024-11-25. Review status: criteria provided, single submitter. Criteria: ACMG Guidelines, 2015. Collection method: clinical testing. Allele origin: germline.

Department of Pathology and Laboratory Medicine, Sinai Health System
Classification: Likely benign for Hirschsprung disease, susceptibility to, 1; Familial medullary thyroid carcinoma; Multiple endocrine neoplasia type 2B; Pheochromocytoma; Multiple endocrine neoplasia type 2A. Last evaluated: 2023-08-22. Review status: criteria provided, single submitter. Criteria: ACMG Guidelines, 2015. Collection method: clinical testing. Allele origin: germline. Affected: yes.

CeGaT Center for Human Genetics Tuebingen
Classification: Likely benign. Last evaluated: 2023-08-01. Review status: criteria provided, single submitter. Criteria: CeGaT Center For Human Genetics Tuebingen Variant Classification Criteria Version 2. Collection method: clinical testing. Allele origin: germline. Affected: yes. Observed: 1 variant allele.
Comment: RET: BP4, BP7

Color Diagnostics, LLC DBA Color Health
Classification: Likely benign for Multiple endocrine neoplasia, type 2. Last evaluated: 2022-09-29. Review status: criteria provided, single submitter. Criteria: ACMG Guidelines, 2015. Collection method: clinical testing. Allele origin: germline.

Sema4
Classification: Benign for Hereditary cancer-predisposing syndrome. Last evaluated: 2021-04-28. Review status: criteria provided, single submitter. Criteria: Sema4 Curation Guidelines. Collection method: curation. Allele origin: germline.

Illumina Laboratory Services, Illumina
Classification: Uncertain significance for Renal hypodysplasia/aplasia 1. Last evaluated: 2018-01-13. Review status: criteria provided, single submitter. Criteria: ICSL Variant Classification Criteria 13 December 2019. Collection method: clinical testing. Allele origin: germline.

Illumina Laboratory Services, Illumina
Classification: Uncertain significance for Hirschsprung disease, susceptibility to, 1. Last evaluated: 2018-01-13. Review status: criteria provided, single submitter. Criteria: ICSL Variant Classification Criteria 13 December 2019. Collection method: clinical testing. Allele origin: germline.

Illumina Laboratory Services, Illumina
Classification: Likely benign for Multiple endocrine neoplasia. Last evaluated: 2018-01-13. Review status: criteria provided, single submitter. Criteria: ICSL Variant Classification Criteria 13 December 2019. Collection method: clinical testing. Allele origin: germline.
Comment: This variant was observed in the ICSL laboratory as part of a predisposition screen in an ostensibly healthy population. It had not been previously curated by ICSL or reported in the Human Gene Mutation Database (HGMD: prior to June 1st, 2018), and was therefore a candidate for classification through an automated scoring system. Utilizing variant allele frequency, disease prevalence and penetrance estimates, and inheritance mode, an automated score was calculated to assess if this variant is too frequent to cause the disease. Based on the score and internal cut-off values, a variant classified as likely benign is not then subjected to further curation. The score for this variant resulted in a classification of likely benign for this disease.

Illumina Laboratory Services, Illumina
Classification: Benign for Pheochromocytoma. Last evaluated: 2018-01-13. Review status: criteria provided, single submitter. Criteria: ICSL Variant Classification Criteria 13 December 2019. Collection method: clinical testing. Allele origin: germline.
Comment: This variant was observed in the ICSL laboratory as part of a predisposition screen in an ostensibly healthy population. It had not been previously curated by ICSL or reported in the Human Gene Mutation Database (HGMD: prior to June 1st, 2018), and was therefore a candidate for classification through an automated scoring system. Utilizing variant allele frequency, disease prevalence and penetrance estimates, and inheritance mode, an automated score was calculated to assess if this variant is too frequent to cause the disease. Based on the score and internal cut-off values, a variant classified as benign is not then subjected to further curation. The score for this variant resulted in a classification of benign for this disease.

GeneDx
Classification: Likely benign. Last evaluated: 2017-04-11. Review status: criteria provided, single submitter. Criteria: GeneDx Variant Classification (06012015). Collection method: clinical testing. Allele origin: germline. Affected: yes.
Comment: This variant is considered likely benign or benign based on one or more of the following criteria: it is a conservative change, it occurs at a poorly conserved position in the protein, it is predicted to be benign by multiple in silico algorithms, and/or has population frequency not consistent with disease.

PreventionGenetics, part of Exact Sciences
Classification: Likely benign. Review status: criteria provided, single submitter. Criteria: ACMG Guidelines, 2015. Collection method: clinical testing. Allele origin: germline.

Klinik und Poliklinik für Kinderchirurgie, Technische Universität Dresden, Universitätsklinikum Carl Gustav Carus
Classification: Uncertain significance for Appendicitis. Last evaluated: 2020-12-17. Review status: no assertion criteria provided. Collection method: case-control. Allele origin: paternal. Inheritance: Autosomal dominant inheritance. Affected: yes. Observed: 1 variant allele, 1 heterozygote. Not counted in ClinVar's aggregate classification.

Counsyl
Classification: Likely benign for Multiple endocrine neoplasia type 2A. Last evaluated: 2017-03-03. Review status: no assertion criteria provided. Collection method: clinical testing. Allele origin: unknown. Not counted in ClinVar's aggregate classification.